The following is an entry in ClinVar:

ClinVar aggregate classification (germline): Uncertain significance (0 of 4 stars; one submission).

Conditions:
ADCY3-related disorder. Also called: ADCY3-related condition.

Submission:

PreventionGenetics, part of Exact Sciences
Classification: Uncertain significance for ADCY3-related condition. Last evaluated: 2024-05-16. Review status: no assertion criteria provided. Collection method: clinical testing. Allele origin: germline.
Comment: The ADCY3 c.75dupC variant is predicted to result in a frameshift and premature protein termination (p.Ser26Leufs*4). This variant is located in the first coding exon and multiple start codons (ATG) encoding methionine are found downstream in the same exon. To our knowledge, this variant has not been reported in the literature or in a large population database, indicating this variant is rare. Although we suspect that this variant may be pathogenic, at this time, the clinical significance of this variant is uncertain due to the absence of conclusive functional and genetic evidence.

NM_004036.5(ADCY3):c.75dup (p.Ser26fs)

Gene: ADCY3 (adenylate cyclase 3; minus strand). Cytogenetic location: 2p23.3.
Variant type: Duplication.
Coding change: c.75dup on transcript NM_004036.5 (MANE Select); coding-DNA position 75, one base duplicated (C; older notation c.75dupC).
Protein change: p.Ser26fs; shifts the reading frame from serine 26.
Molecular consequence: frameshift variant.
Genome position (GRCh38, 1-based): chr2:24,918,913, G duplicated on the plus strand (C on the coding strand, the reverse complement: ADCY3 is on the minus strand); the first of 3 consecutive G bases (chr2:24,918,913-24,918,915); duplicating any one gives the same sequence. VCF-style (leftmost placement, unchanged base first): chr2-24918912-A-AG. GRCh37 (hg19) VCF-style: chr2-25141781-A-AG.
Other names: c.75dup, p.Ser26fs (NM_001320613.2, NM_001377128.1, NM_001377129.1 and 2 more transcripts); short protein forms S26fs.
Identifiers: ClinVar variation 3351579 (VCV003351579.1).